The following is an entry in ClinVar:

ClinVar aggregate classification (germline): Uncertain significance. Review status: criteria provided, multiple submitters, no conflicts (2 of 4 stars). 2 submissions from 2 submitters: Uncertain significance (2). Last evaluated 2025-08-06.

Allele frequency attached by ClinVar (database versions not stated): TOPMed 0.00006; gnomAD 0.00009.
gnomAD v4.1: 177 of 1,273,880 alleles (0.014%); highest among the groups gnomAD compares: South Asian, 0.037%; no homozygotes.

Submissions (2):

Labcorp Genetics (formerly Invitae), Labcorp
Classification: Uncertain significance. Last evaluated: 2025-08-06. Review status: criteria provided, single submitter. Criteria: Invitae Variant Classification Sherloc (09022015). Collection method: clinical testing. Allele origin: germline.
Comment: This sequence change replaces proline, which is neutral and non-polar, with arginine, which is basic and polar, at codon 22 of the TRAP1 protein (p.Pro22Arg). This variant is present in population databases (rs758384182, gnomAD 0.03%). This variant has not been reported in the literature in individuals affected with TRAP1-related conditions. ClinVar contains an entry for this variant (Variation ID: 1899064). Experimental studies and prediction algorithms are not available or were not evaluated, and the functional significance of this variant is currently unknown. In summary, the available evidence is currently insufficient to determine the role of this variant in disease. Therefore, it has been classified as a Variant of Uncertain Significance.

Ambry Genetics
Classification: Uncertain significance. Last evaluated: 2025-06-12. Review status: criteria provided, single submitter. Criteria: Ambry Variant Classification Scheme 2023. Collection method: clinical testing. Allele origin: germline.

NM_016292.3(TRAP1):c.65C>G (p.Pro22Arg)

Genes: TRAP1 (TNF receptor associated protein 1; minus strand), LOC130058352 (ATAC-STARR-seq lymphoblastoid silent region 7139; plus strand). Cytogenetic location: 16p13.3.
Variant type: single nucleotide variant.
Coding change: c.65C>G on transcript NM_016292.3 (MANE Select); coding-DNA position 65, C replaced by G.
Protein change: p.Pro22Arg; replaces proline 22 with arginine.
Molecular consequence: missense variant.
Genome position (GRCh38, 1-based): chr16:3,717,444, G>C on the plus strand (C>G on the coding strand, the complement: TRAP1 is on the minus strand). VCF-style: chr16-3717444-G-C. GRCh37 (hg19) VCF-style: chr16-3767445-G-C.
Other names: c.65C>G, p.Pro22Arg (NM_001272049.2); short protein forms P22R.
Identifiers: ClinVar variation 1899064 (VCV001899064.7), dbSNP rs758384182, ClinGen allele CA7868882.
Genomic context (GRCh38, chr16:3,717,444, plus strand): 5'-GGCCCGCCCGCTGCCCGTCCAGCCAGGACGCCCTCACCTCCCGGCACGGCCGCCAGCGCC[G>C]GCGCCCGCAGCAAAGGCCGCAGGCGGCGGCCCCACAGCAGCAGCGCCCGCAGCTCGCGCG-3'
Protein context (NP_057376.2, residues 12-32): GRRLRPLLRA[Pro22Arg]ALAAVPGGKP